The following is an entry in ClinVar:

GRCh38/hg38 9p24.3(chr9:220253-1243237)x1

Genes: DMRT1 (doublesex and mab-3 related transcription factor 1; plus strand), DMRT2 (doublesex and mab-3 related transcription factor 2; plus strand), DMRT3 (doublesex and mab-3 related transcription factor 3; plus strand), DOCK8 (dedicator of cytokinesis 8; plus strand), KANK1 (KN motif and ankyrin repeat domains 1; plus strand) and 18 more. Cytogenetic location: 9p24.3.
Variant type: copy number loss.
Change: copy number 1 (one copy instead of two) of chr9:220,253-1,243,237 (1.02 Mb, GRCh38 coordinates, 1-based), cytogenetic band 9p24.3.
Identifiers: ClinVar variation 59049 (VCV000059049.1).

ClinVar aggregate classification (germline): Uncertain significance (1 of 4 stars; one submission).

Submission:

ISCA site 17
Classification: Uncertain significance. Last evaluated: 2011-08-12. Review status: criteria provided, single submitter. Criteria: Kaminsky et al. (Genet Med. 2011). Collection method: clinical testing. Allele origin: paternal. Affected: yes. Observed: 1 variant allele.
Comment: Copy number variation identified through the course of routine clinical cytogenomic testing in postnatal populations. Clinical assertions have been curated as described in Kaminsky et al. 2011.